The following is an entry in ClinVar:

ClinVar aggregate classification (germline): Conflicting classifications of pathogenicity. Review status: criteria provided, conflicting classifications (1 of 4 stars). 6 submissions from 6 submitters: Likely pathogenic (1); Uncertain significance (5). Last evaluated 2026-09-01.

Conditions:
Adult hypophosphatasia. Identifiers: Orphanet 247676, Orphanet 436, MedGen C0268413, MONDO:1010154, OMIM 146300, MONDO:0007798.
Childhood hypophosphatasia. Identifiers: Orphanet 247667, Orphanet 436, MedGen C0220743, MONDO:1010168, OMIM 241510, MONDO:0009428.
Infantile hypophosphatasia. Identifiers: Orphanet 247651, Orphanet 436, MedGen C0268412, MONDO:1010169, OMIM 241500, MONDO:0009427.
Hypophosphatasia. Also called: Phosphoethanol-aminuria. Identifiers: Orphanet 436, MedGen C0020630, MeSH D007014, MONDO:0018570.

Allele frequency attached by ClinVar (database versions not stated): gnomAD 0.00001; gnomAD exomes 0.00001; ExAC 0.00002; TOPMed 0.00002.
gnomAD v4.1: 6 of 1,613,632 alleles (0.00037%); highest among the groups gnomAD compares: East Asian, 0.0067%; no homozygotes.

Submissions (6):

Genomenon, Inc
Classification: Uncertain significance for Hypophosphatasia. Last evaluated: 2026-09-01. Review status: criteria provided, single submitter. Criteria: Genomenon Sequence Variant Interpretation Standards - Updated. Collection method: curation. Allele origin: germline. Affected: yes.
Comment: ALPL p.Ile215Val (c.643A>G) is a missense variant that changes the amino acid at codon 215 from Isoleucine to Valine. This variant has been observed in at least one proband affected with an ALPL-related disorder (PMID:29236161). It is absent or not present at a significant frequency in gnomAD. In silico models predict that this variant is possibly or probably damaging. In conclusion, we classify ALPL p.Ile215Val (c.643A>G) as a variant of uncertain significance.

Myriad Genetics, Inc.
Classification: Uncertain significance for Hypophosphatasia. Last evaluated: 2026-05-04. Review status: criteria provided, single submitter. Criteria: Myriad Autosomal Dominant, Autosomal Recessive and X-Linked Classification Criteria (2023). Collection method: clinical testing. Allele origin: unknown.
Comment: NM_000478.4(ALPL):c.643A>G(I215V) is a missense variant classified as a variant of uncertain significance in the context of hypophosphatasia. I215V has been observed in cases with relevant disease (PMID: 32973344, 29236161). Relevant functional assessments of this variant are not available in the literature. I215V has been observed in referenced population frequency databases. In summary, there is insufficient evidence to classify NM_000478.4(ALPL):c.643A>G(I215V) as pathogenic or benign. Please note: this variant was assessed in the context of healthy population screening.

JKU Lab, Dept of Paediatrics, Johannes Kepler University
Classification: Uncertain significance for Hypophosphatasia. Last evaluated: 2025-06-26. Review status: criteria provided, single submitter. Criteria: ACMG Guidelines, 2015. Collection method: curation, in vitro. Allele origin: germline, not applicable. Functional consequence: function uncertain, decreased enzyme activity.
Comment: This missense variant is present in GnomAD 4.1 (f = 0.00006684% in East Asian population) and affects a highly conserved amino acid, not in the active site domain. The variant is predicted to affect protein function (REVEL score: 0.707). Splice-prediction algorithms predict no effect on splicing. In vitro functional studies showed no reduction in ALP activity.This variant has been reported in the literature in individuals affected with ALPL-related conditions (PMID:29236161;PMID:32973344). The results of the functional testing and the applied ACMG criteria can be viewed at an online resource

Labcorp Genetics (formerly Invitae), Labcorp
Classification: Likely pathogenic. Last evaluated: 2024-11-21. Review status: criteria provided, single submitter. Criteria: Invitae Variant Classification Sherloc (09022015). Collection method: clinical testing. Allele origin: germline.
Comment: This sequence change replaces isoleucine, which is neutral and non-polar, with valine, which is neutral and non-polar, at codon 215 of the ALPL protein (p.Ile215Val). This variant is present in population databases (rs769903299, gnomAD 0.01%). This missense change has been observed in individual(s) with clinical features of hypophosphatasia (PMID: 29236161; internal data). ClinVar contains an entry for this variant (Variation ID: 1807424). Invitae Evidence Modeling of protein sequence and biophysical properties (such as structural, functional, and spatial information, amino acid conservation, physicochemical variation, residue mobility, and thermodynamic stability) indicates that this missense variant is expected to disrupt ALPL protein function with a positive predictive value of 95%. In summary, the currently available evidence indicates that the variant is pathogenic, but additional data are needed to prove that conclusively. Therefore, this variant has been classified as Likely Pathogenic.

Athena Diagnostics
Classification: Uncertain significance. Last evaluated: 2021-12-15. Review status: criteria provided, single submitter. Criteria: Athena Diagnostics Criteria. Collection method: clinical testing. Allele origin: unknown.

Juno Genomics, Hangzhou Juno Genomics, Inc
Classification: Uncertain significance for Adult hypophosphatasia; Childhood hypophosphatasia; Infantile hypophosphatasia. Review status: criteria provided, single submitter. Criteria: ACMG Guidelines, 2015. Collection method: clinical testing. Allele origin: germline.
Comment: Absent from controls (or at extremely low frequency if recessive) in Genome Aggregation Database.;Multiple lines of computational evidence support a deleterious effect on the gene or gene product.

Literature cited by the submitters: PubMed 29236161 (cited by 5 submitters); PubMed 32973344 (cited by Myriad Genetics, Inc. and JKU Lab, Dept of Paediatrics, Johannes Kepler University).

NM_000478.6(ALPL):c.643A>G (p.Ile215Val)

Gene: ALPL (alkaline phosphatase, biomineralization associated; plus strand). Cytogenetic location: 1p36.12.
Variant type: single nucleotide variant.
Coding change: c.643A>G on transcript NM_000478.6 (MANE Select); coding-DNA position 643, A replaced by G.
Protein change: p.Ile215Val; replaces isoleucine 215 with valine.
Molecular consequence: missense variant.
Genome position (GRCh38, 1-based): chr1:21,564,211, A>G. VCF-style: chr1-21564211-A-G. GRCh37 (hg19) VCF-style: chr1-21890704-A-G.
Other names: c.478A>G, p.Ile160Val (NM_001127501.4); c.412A>G, p.Ile138Val (NM_001177520.3); c.643A>G, p.Ile215Val (NM_001369803.2, NM_001369804.2, NM_001369805.2); short protein forms I138V, I160V, I215V.
Identifiers: ClinVar variation 1807424 (VCV001807424.11), dbSNP rs769903299, ClinGen allele CA666543.